The following is an entry in ClinVar:

ClinVar aggregate classification (germline): Benign. Review status: criteria provided, multiple submitters, no conflicts (2 of 4 stars). 2 submissions from 2 submitters: Benign (2). Last evaluated 2017-08-11.

Allele frequency attached by ClinVar (database versions not stated): 1000 Genomes Project 0.00459; 1000 Genomes Project 30x 0.00500; ESP Exome Variant Server 0.00823; gnomAD 0.00836 and 0.00854; TOPMed 0.00896; gnomAD exomes 0.00982 and 0.01050; ExAC 0.01999.
gnomAD v4.1: 16,239 of 1,566,394 alleles (1%); highest among the groups gnomAD compares: Non-Finnish European, 1.1%; 131 homozygotes.

Submissions (2):

GeneDx
Classification: Benign. Last evaluated: 2017-08-11. Review status: criteria provided, single submitter. Criteria: GeneDx Variant Classification (06012015). Collection method: clinical testing. Allele origin: germline. Affected: yes.
Comment: This variant is considered likely benign or benign based on one or more of the following criteria: it is a conservative change, it occurs at a poorly conserved position in the protein, it is predicted to be benign by multiple in silico algorithms, and/or has population frequency not consistent with disease.

Breakthrough Genomics
Classification: Benign. Review status: criteria provided, single submitter. Criteria: ACMG Guidelines, 2015. Collection method: not provided. Allele origin: germline. Inheritance: Unknown mechanism. Affected: yes.

NM_030770.4(TMPRSS5):c.747G>A (p.Ala249=)

Gene: TMPRSS5 (transmembrane serine protease 5; minus strand). Cytogenetic location: 11q23.2.
Variant type: single nucleotide variant.
Coding change: c.747G>A on transcript NM_030770.4 (MANE Select); coding-DNA position 747, G replaced by A.
Protein change: p.Ala249=; no amino-acid change (alanine 249 retained).
Molecular consequence: synonymous variant. On other transcripts: non-coding transcript variant (2), intron variant (2).
Genome position (GRCh38, 1-based): chr11:113,694,516, C>T on the plus strand (G>A on the coding strand, the complement: TMPRSS5 is on the minus strand). VCF-style: chr11-113694516-C-T. GRCh37 (hg19) VCF-style: chr11-113565238-C-T.
Other names: c.615G>A, p.Ala205= (NM_001288750.2); c.720G>A, p.Ala240= (NM_001288751.2); c.447-1267G>A (NM_001288749.2); c.579-1267G>A (NM_001288752.2).
Identifiers: ClinVar variation 508633 (VCV000508633.2), dbSNP rs61995944, ClinGen allele CA6281749.